The following is an entry in ClinVar:

ClinVar aggregate classification (germline): Uncertain significance (1 of 4 stars; one submission).

Submission:

Labcorp Genetics (formerly Invitae), Labcorp
Classification: Uncertain significance. Last evaluated: 2022-08-20. Review status: criteria provided, single submitter. Criteria: Invitae Variant Classification Sherloc (09022015). Collection method: clinical testing. Allele origin: germline.
Comment: This sequence change replaces threonine, which is neutral and polar, with alanine, which is neutral and non-polar, at codon 155 of the ATF6 protein (p.Thr155Ala). This variant is not present in population databases (gnomAD no frequency). This variant has not been reported in the literature in individuals affected with ATF6-related conditions. Algorithms developed to predict the effect of missense changes on protein structure and function (SIFT, PolyPhen-2, Align-GVGD) all suggest that this variant is likely to be tolerated. In summary, the available evidence is currently insufficient to determine the role of this variant in disease. Therefore, it has been classified as a Variant of Uncertain Significance.

NM_007348.4(ATF6):c.463A>G (p.Thr155Ala)

Gene: ATF6 (activating transcription factor 6; plus strand). Cytogenetic location: 1q23.3.
Variant type: single nucleotide variant.
Coding change: c.463A>G on transcript NM_007348.4 (MANE Select); coding-DNA position 463, A replaced by G.
Protein change: p.Thr155Ala; replaces threonine 155 with alanine.
Molecular consequence: missense variant.
Genome position (GRCh38, 1-based): chr1:161,791,516, A>G. VCF-style: chr1-161791516-A-G. GRCh37 (hg19) VCF-style: chr1-161761306-A-G.
Other names: c.463A>G, p.Thr155Ala (NM_001410890.1); short protein forms T155A.
Identifiers: ClinVar variation 1717097 (VCV001717097.3), dbSNP rs2525153210, ClinGen allele CA343386264.